The following is an entry in ClinVar:

NM_000057.4(BLM):c.800-13T>A

Gene: BLM (BLM RecQ like helicase; plus strand). Cytogenetic location: 15q26.1.
Variant type: single nucleotide variant.
Coding change: c.800-13T>A on transcript NM_000057.4 (MANE Select); 13 bases into the intron before coding-DNA position 800, T replaced by A.
Molecular consequence: intron variant.
Genome position (GRCh38, 1-based): chr15:90,751,774, T>A. VCF-style: chr15-90751774-T-A. GRCh37 (hg19) VCF-style: chr15-91295004-T-A.
Other names: c.800-13T>A (NM_001287246.2, NM_001287247.2); c.-492-13T>A (NM_001287248.2).
Identifiers: ClinVar variation 2763037 (VCV002763037.3), dbSNP rs1293539922, ClinGen allele CA2697549324.
Genomic context (GRCh38, chr15:90,751,774, plus strand): 5'-AATCGCTCATGCCCTGTTCTTTCTGTCTCATTAGTGGTTAACAAATCTATGTTTATCAAC[T>A]GTTTTACTGTAGATAATAGCGAAAAGAAGAAGAATTTGGAAGAAGCTGAATTACATTCAA-3'

ClinVar aggregate classification (germline): Uncertain significance (1 of 4 stars; one submission).

Conditions:
Bloom syndrome (BLM). Also called: Bloom-Torre-Machacek syndrome. Identifiers: Orphanet 125, MedGen C0005859, MONDO:0008876, OMIM 210900.

Submission:

Labcorp Genetics (formerly Invitae), Labcorp
Classification: Uncertain significance for Bloom syndrome. Last evaluated: 2023-09-24. Review status: criteria provided, single submitter. Criteria: Invitae Variant Classification Sherloc (09022015). Collection method: clinical testing. Allele origin: germline.
Comment: In summary, the available evidence is currently insufficient to determine the role of this variant in disease. Therefore, it has been classified as a Variant of Uncertain Significance. Algorithms developed to predict the effect of sequence changes on RNA splicing suggest that this variant may disrupt the consensus splice site. This variant has not been reported in the literature in individuals affected with BLM-related conditions. This variant is not present in population databases (gnomAD no frequency). This sequence change falls in intron 3 of the BLM gene. It does not directly change the encoded amino acid sequence of the BLM protein.